The following is an entry in ClinVar:

NM_015295.3(SMCHD1):c.4218T>C (p.Asn1406=)

Gene: SMCHD1 (structural maintenance of chromosomes flexible hinge domain containing 1; plus strand). Cytogenetic location: 18p11.32.
Variant type: single nucleotide variant.
Coding change: c.4218T>C on transcript NM_015295.3 (MANE Select); coding-DNA position 4218, T replaced by C.
Protein change: p.Asn1406=; no amino-acid change (asparagine 1406 retained).
Molecular consequence: synonymous variant.
Genome position (GRCh38, 1-based): chr18:2,751,330, T>C. VCF-style: chr18-2751330-T-C. GRCh37 (hg19) VCF-style: chr18-2751328-T-C.
Identifiers: ClinVar variation 3014374 (VCV003014374.3), dbSNP rs1174250784, ClinGen allele CA502688379.
Genomic context (GRCh38, chr18:2,751,330, plus strand): 5'-CATGACAGATTTTATGATTAGTGTTATTTCTGAAGATGACAGTATCATTAAAAACATTAA[T>C]CCAGCACGTATTTCCATGAAAATGTGGAAGCTGTCTACCAGTGGGAACCGACCCCCAGCA-3'
Protein context (NP_056110.2, residues 1396-1416): SEDDSIIKNI[Asn1406=]PARISMKMWK

ClinVar aggregate classification (germline): Uncertain significance (1 of 4 stars; one submission).

Conditions:
Facioscapulohumeral muscular dystrophy 2 (FSHD2). Also called: MUSCULAR DYSTROPHY, FACIOSCAPULOHUMERAL, TYPE 1B; FACIOSCAPULOHUMERAL MUSCULAR DYSTROPHY 2, DIGENIC; FSHD2, DIGENIC. Identifiers: Orphanet 269, MedGen C1834671, MONDO:0008031, OMIM 158901.

gnomAD v4.1: 1 of 1,581,502 alleles (0.000063%); highest among the groups gnomAD compares: Non-Finnish European, 0.000086%; no homozygotes.

Submission:

Labcorp Genetics (formerly Invitae), Labcorp
Classification: Uncertain significance for Facioscapulohumeral muscular dystrophy 2. Last evaluated: 2023-09-22. Review status: criteria provided, single submitter. Criteria: Invitae Variant Classification Sherloc (09022015). Collection method: clinical testing. Allele origin: germline.
Comment: This sequence change affects codon 1406 of the SMCHD1 mRNA. It is a 'silent' change, meaning that it does not change the encoded amino acid sequence of the SMCHD1 protein. This variant is not present in population databases (gnomAD no frequency). This variant has not been reported in the literature in individuals affected with SMCHD1-related conditions. Algorithms developed to predict the effect of sequence changes on RNA splicing suggest that this variant may disrupt the consensus splice site. In summary, the available evidence is currently insufficient to determine the role of this variant in disease. Therefore, it has been classified as a Variant of Uncertain Significance.